The following is an entry in ClinVar:

NM_031935.3(HMCN1):c.2162T>C (p.Met721Thr)

Gene: HMCN1 (hemicentin 1; plus strand). Cytogenetic location: 1q31.1.
Variant type: single nucleotide variant.
Coding change: c.2162T>C on transcript NM_031935.3 (MANE Select); coding-DNA position 2162, T replaced by C.
Protein change: p.Met721Thr; replaces methionine 721 with threonine.
Molecular consequence: missense variant.
Genome position (GRCh38, 1-based): chr1:185,965,865, T>C. VCF-style: chr1-185965865-T-C. GRCh37 (hg19) VCF-style: chr1-185934997-T-C.
Other names: short protein forms M721T.
Identifiers: ClinVar variation 1478793 (VCV001478793.6), dbSNP rs144270518, ClinGen allele CA1291310.

ClinVar aggregate classification (germline): Uncertain significance (1 of 4 stars; one submission).

Allele frequency attached by ClinVar (database versions not stated): TOPMed 0.00001; ExAC 0.00002; gnomAD 0.00002 and 0.00003; gnomAD exomes 0.00002; ESP Exome Variant Server 0.00015.
gnomAD v4.1: 14 of 1,612,208 alleles (0.00087%); highest among the groups gnomAD compares: African/African-American, 0.0027%; no homozygotes.

Submission:

Labcorp Genetics (formerly Invitae), Labcorp
Classification: Uncertain significance. Last evaluated: 2025-09-15. Review status: criteria provided, single submitter. Criteria: Invitae Variant Classification Sherloc (09022015). Collection method: clinical testing. Allele origin: germline.
Comment: This sequence change replaces methionine, which is neutral and non-polar, with threonine, which is neutral and polar, at codon 721 of the HMCN1 protein (p.Met721Thr). This variant is present in population databases (rs144270518, gnomAD 0.003%). This variant has not been reported in the literature in individuals affected with HMCN1-related conditions. ClinVar contains an entry for this variant (Variation ID: 1478793). An algorithm developed to predict the effect of missense changes on protein structure and function (PolyPhen-2) suggests that this variant is likely to be tolerated. In summary, the available evidence is currently insufficient to determine the role of this variant in disease. Therefore, it has been classified as a Variant of Uncertain Significance.